The following is an entry in ClinVar:

ClinVar aggregate classification (germline): Benign/Likely benign. Review status: criteria provided, multiple submitters, no conflicts (2 of 4 stars). 3 submissions from 3 submitters: Benign (1); Likely benign (1). 1 of the submissions does not count toward it. Last evaluated 2025-01-01.

Conditions:
Oculofaciocardiodental syndrome (MCOPS2). Identifiers: Orphanet 2712, MedGen C1846265, MONDO:0010261, OMIM 300166.
BCOR-related disorder. Also called: BCOR-related condition; BCOR-related disorders.

Allele frequency attached by ClinVar (database versions not stated): gnomAD 0.00003 and 0.00009; gnomAD exomes 0.00004 and 0.00009; TOPMed 0.00004; ESP Exome Variant Server 0.00009; ExAC 0.00014; 1000 Genomes Project 30x 0.00104; 1000 Genomes Project 0.00132.
gnomAD v4.1: 59 of 1,211,740 alleles (0.0049%); highest among the groups gnomAD compares: South Asian, 0.04%; no homozygotes.

Submissions (3):

CeGaT Center for Human Genetics Tuebingen
Classification: Likely benign. Last evaluated: 2025-01-01. Review status: criteria provided, single submitter. Criteria: CeGaT Center For Human Genetics Tuebingen Variant Classification Criteria Version 2. Collection method: clinical testing. Allele origin: germline. Affected: yes. Observed: 1 variant allele.
Comment: BCOR: BP4, BS2

Labcorp Genetics (formerly Invitae), Labcorp
Classification: Benign for Oculofaciocardiodental syndrome. Last evaluated: 2022-12-06. Review status: criteria provided, single submitter. Criteria: Invitae Variant Classification Sherloc (09022015). Collection method: clinical testing. Allele origin: germline.

PreventionGenetics, part of Exact Sciences
Classification: Likely benign for BCOR-related condition. Last evaluated: 2021-07-07. Review status: no assertion criteria provided. Collection method: clinical testing. Allele origin: germline. Not counted in ClinVar's aggregate classification.
Comment: This variant is classified as likely benign based on ACMG/AMP sequence variant interpretation guidelines (Richards et al. 2015 PMID: 25741868, with internal and published modifications).

NM_001123385.2(BCOR):c.1651G>A (p.Asp551Asn)

Gene: BCOR (BCL6 corepressor; minus strand). Cytogenetic location: Xp11.4.
Variant type: single nucleotide variant.
Coding change: c.1651G>A on transcript NM_001123385.2 (MANE Select); coding-DNA position 1651, G replaced by A.
Protein change: p.Asp551Asn; replaces aspartic acid 551 with asparagine.
Molecular consequence: missense variant.
Genome position (GRCh38, 1-based): chrX:40,073,695, C>T on the plus strand (G>A on the coding strand, the complement: BCOR is on the minus strand). VCF-style: chrX-40073695-C-T. GRCh37 (hg19) VCF-style: chrX-39932948-C-T.
Other names: c.1651G>A, p.Asp551Asn (NM_001123383.2, NM_001123384.2, NM_017745.6); short protein forms D551N.
Identifiers: ClinVar variation 1533488 (VCV001533488.23), dbSNP rs372463512, ClinGen allele CA10386902.